The following is an entry in ClinVar:

ClinVar aggregate classification (germline): Uncertain significance (1 of 4 stars; one submission).

Conditions:
Atrial fibrillation, familial, 14 (ATFB14). Identifiers: MedGen C3809312, MONDO:0014156, OMIM 615378.

gnomAD v4.1: 5 of 1,613,918 alleles (0.00031%); highest among the groups gnomAD compares: Non-Finnish European, 0.00042%; no homozygotes.

Submission:

Labcorp Genetics (formerly Invitae), Labcorp
Classification: Uncertain significance for Atrial fibrillation, familial, 14. Last evaluated: 2025-11-24. Review status: criteria provided, single submitter. Criteria: Invitae Variant Classification Sherloc (09022015). Collection method: clinical testing. Allele origin: germline.
Comment: This sequence change replaces arginine, which is basic and polar, with lysine, which is basic and polar, at codon 185 of the SCN2B protein (p.Arg185Lys). This variant is present in population databases (rs759084475, gnomAD 0.002%). This variant has not been reported in the literature in individuals affected with SCN2B-related conditions. An algorithm developed to predict the effect of missense changes on protein structure and function (PolyPhen-2) suggests that this variant is likely to be disruptive. In summary, the available evidence is currently insufficient to determine the role of this variant in disease. Therefore, it has been classified as a Variant of Uncertain Significance.

NM_004588.5(SCN2B):c.554G>A (p.Arg185Lys)

Gene: SCN2B (sodium voltage-gated channel beta subunit 2; minus strand). Cytogenetic location: 11q23.3.
Variant type: single nucleotide variant.
Coding change: c.554G>A on transcript NM_004588.5 (MANE Select); coding-DNA position 554, G replaced by A.
Protein change: p.Arg185Lys; replaces arginine 185 with lysine.
Molecular consequence: missense variant.
Genome position (GRCh38, 1-based): chr11:118,166,981, C>T on the plus strand (G>A on the coding strand, the complement: SCN2B is on the minus strand). VCF-style: chr11-118166981-C-T. GRCh37 (hg19) VCF-style: chr11-118037696-C-T.
Other names: short protein forms R185K.
Identifiers: ClinVar variation 4777165 (VCV004777165.1).